The following is an entry in ClinVar:

NM_004168.4(SDHA):c.568T>A (p.Cys190Ser)

Gene: SDHA (succinate dehydrogenase complex flavoprotein subunit A; plus strand). Cytogenetic location: 5p15.33.
Variant type: single nucleotide variant.
Coding change: c.568T>A on transcript NM_004168.4 (MANE Select); coding-DNA position 568, T replaced by A.
Protein change: p.Cys190Ser; replaces cysteine 190 with serine.
Molecular consequence: missense variant.
Genome position (GRCh38, 1-based): chr5:225,994, T>A. VCF-style: chr5-225994-T-A. GRCh37 (hg19) VCF-style: chr5-226109-T-A.
Other names: c.424T>A, p.Cys142Ser (NM_001294332.2); c.568T>A, p.Cys190Ser (NM_001330758.2); short protein forms C142S, C190S.
Identifiers: ClinVar variation 1515952 (VCV001515952.8), dbSNP rs908267345, ClinGen allele CA359010470.

ClinVar aggregate classification (germline): Uncertain significance (1 of 4 stars; one submission).

Conditions:
Mitochondrial complex II deficiency, nuclear type 1. Also called: SUCCINATE CoQ REDUCTASE DEFICIENCY. Identifiers: Orphanet 3208, MedGen C5700310, MONDO:0100294, OMIM 252011.
Pheochromocytoma/paraganglioma syndrome 5. Also called: Paragangliomas 5; SDHA-Related Hereditary Paraganglioma-Pheochromocytoma Syndrome. Identifiers: Orphanet 29072, MedGen C3279992, MONDO:0013602, OMIM 614165.

Submission:

Labcorp Genetics (formerly Invitae), Labcorp
Classification: Uncertain significance for Pheochromocytoma/paraganglioma syndrome 5; Mitochondrial complex II deficiency, nuclear type 1. Last evaluated: 2021-01-11. Review status: criteria provided, single submitter. Criteria: Invitae Variant Classification Sherloc (09022015). Collection method: clinical testing. Allele origin: germline.
Comment: This sequence change replaces cysteine with serine at codon 190 of the SDHA protein (p.Cys190Ser). The cysteine residue is highly conserved and there is a moderate physicochemical difference between cysteine and serine. This variant is not present in population databases (ExAC no frequency). This variant has not been reported in the literature in individuals with SDHA-related conditions. Algorithms developed to predict the effect of missense changes on protein structure and function (SIFT, PolyPhen-2, Align-GVGD) all suggest that this variant is likely to be disruptive, but these predictions have not been confirmed by published functional studies and their clinical significance is uncertain. Algorithms developed to predict the effect of sequence changes on RNA splicing suggest that this variant may create or strengthen a splice site, but this prediction has not been confirmed by published transcriptional studies. In summary, the available evidence is currently insufficient to determine the role of this variant in disease. Therefore, it has been classified as a Variant of Uncertain Significance.